The following is an entry in ClinVar:

NM_033380.3(COL4A5):c.1582_1583delinsA (p.Leu528fs)

Gene: COL4A5 (collagen type IV alpha 5 chain; plus strand). Cytogenetic location: Xq22.3.
Variant type: Indel.
Coding change: c.1582_1583delinsA on transcript NM_033380.3 (MANE Select); coding-DNA positions 1582 to 1583, TT replaced by A.
Protein change: p.Leu528fs; shifts the reading frame from leucine 528.
Molecular consequence: frameshift variant.
Genome position (GRCh38, 1-based): chrX:108,597,063-108,597,064, TT replaced by A. VCF-style: chrX-108597063-TT-A. GRCh37 (hg19) VCF-style: chrX-107840293-TT-A.
Other names: c.1582_1583delinsA, p.Leu528fs (NM_000495.5); short protein forms L528fs.
Identifiers: ClinVar variation 2632609 (VCV002632609.1), dbSNP rs2524305660, ClinGen allele CA2695197139.

ClinVar aggregate classification (germline): Likely pathogenic (1 of 4 stars; one submission).

Conditions:
COL4A5-related disorder. Also called: COL4A5-related condition.

Submission:

PreventionGenetics, part of Exact Sciences
Classification: Likely pathogenic for COL4A5-related condition. Last evaluated: 2023-06-01. Review status: criteria provided, single submitter. Criteria: ACMG Guidelines, 2015. Collection method: clinical testing. Allele origin: germline.
Comment: The COL4A5 c.1582_1583delinsA variant is predicted to result in a frameshift and premature protein termination (p.Leu528Asnfs*29). To our knowledge, this variant has not been reported in the literature or in a large population database, indicating this variant is rare. Frameshift variants in COL4A5 are expected to be pathogenic. This variant is interpreted as likely pathogenic.